The following is an entry in ClinVar:

ClinVar aggregate classification (germline): Likely benign (1 of 4 stars; one submission).

gnomAD v4.1: 24 of 1,539,668 alleles (0.0016%); highest among the groups gnomAD compares: Non-Finnish European, 0.002%; no homozygotes.

Submission:

CeGaT Center for Human Genetics Tuebingen
Classification: Likely benign. Last evaluated: 2025-04-01. Review status: criteria provided, single submitter. Criteria: CeGaT Center For Human Genetics Tuebingen Variant Classification Criteria Version 2. Collection method: clinical testing. Allele origin: germline. Affected: yes. Observed: 1 variant allele.
Comment: KCNH4: BP4, BP7

NM_012285.3(KCNH4):c.3036G>A (p.Arg1012=)

Gene: KCNH4 (potassium voltage-gated channel subfamily H member 4; minus strand). Cytogenetic location: 17q21.2.
Variant type: single nucleotide variant.
Coding change: c.3036G>A on transcript NM_012285.3 (MANE Select); coding-DNA position 3036, G replaced by A.
Protein change: p.Arg1012=; no amino-acid change (arginine 1012 retained).
Molecular consequence: synonymous variant.
Genome position (GRCh38, 1-based): chr17:42,160,058, C>T on the plus strand (G>A on the coding strand, the complement: KCNH4 is on the minus strand). VCF-style: chr17-42160058-C-T. GRCh37 (hg19) VCF-style: chr17-40312076-C-T.
Identifiers: ClinVar variation 3898396 (VCV003898396.7).